The following is an entry in ClinVar:

ClinVar aggregate classification (germline): Uncertain significance (1 of 4 stars; one submission).

Submission:

Labcorp Genetics (formerly Invitae), Labcorp
Classification: Uncertain significance. Last evaluated: 2025-08-21. Review status: criteria provided, single submitter. Criteria: Invitae Variant Classification Sherloc (09022015). Collection method: clinical testing. Allele origin: germline.
Comment: This sequence change replaces glutamic acid, which is acidic and polar, with glycine, which is neutral and non-polar, at codon 320 of the GHR protein (p.Glu320Gly). This variant is not present in population databases (gnomAD no frequency). This variant has not been reported in the literature in individuals affected with GHR-related conditions. Invitae Evidence Modeling of protein sequence and biophysical properties (such as structural, functional, and spatial information, amino acid conservation, physicochemical variation, residue mobility, and thermodynamic stability) indicates that this missense variant is not expected to disrupt GHR protein function with a negative predictive value of 80%. In summary, the available evidence is currently insufficient to determine the role of this variant in disease. Therefore, it has been classified as a Variant of Uncertain Significance.

NM_000163.5(GHR):c.959A>G (p.Glu320Gly)

Gene: GHR (growth hormone receptor; plus strand). Cytogenetic location: 5p12.
Variant type: single nucleotide variant.
Coding change: c.959A>G on transcript NM_000163.5 (MANE Select); coding-DNA position 959, A replaced by G.
Protein change: p.Glu320Gly; replaces glutamic acid 320 with glycine.
Molecular consequence: missense variant. On other transcripts: 3 prime UTR variant (1).
Genome position (GRCh38, 1-based): chr5:42,718,466, A>G. VCF-style: chr5-42718466-A-G. GRCh37 (hg19) VCF-style: chr5-42718568-A-G.
Other names: c.959A>G, p.Glu320Gly (NM_001242404.2, NM_001242405.2, NM_001242406.2 and 4 more transcripts); c.893A>G, p.Glu298Gly (NM_001242460.2); c.*1A>G (NM_001242462.1); c.980A>G, p.Glu327Gly (NM_001242399.2); short protein forms E320G, E298G, E327G.
Identifiers: ClinVar variation 4762448 (VCV004762448.1).